The following is an entry in ClinVar:

ClinVar aggregate classification (germline): Uncertain significance (1 of 4 stars; one submission).

Allele frequency attached by ClinVar (database versions not stated): gnomAD exomes below 0.00001.

Submission:

Labcorp Genetics (formerly Invitae), Labcorp
Classification: Uncertain significance. Last evaluated: 2022-05-04. Review status: criteria provided, single submitter. Criteria: Invitae Variant Classification Sherloc (09022015). Collection method: clinical testing. Allele origin: germline.
Comment: This sequence change replaces aspartic acid, which is acidic and polar, with asparagine, which is neutral and polar, at codon 146 of the RGS9BP protein (p.Asp146Asn). This variant is present in population databases (no rsID available, gnomAD 0.004%). This variant has not been reported in the literature in individuals affected with RGS9BP-related conditions. Algorithms developed to predict the effect of missense changes on protein structure and function are either unavailable or do not agree on the potential impact of this missense change (SIFT: "Deleterious"; PolyPhen-2: "Probably Damaging"; Align-GVGD: "Class C15"). In summary, the available evidence is currently insufficient to determine the role of this variant in disease. Therefore, it has been classified as a Variant of Uncertain Significance.

NM_207391.3(RGS9BP):c.436G>A (p.Asp146Asn)

Gene: RGS9BP (regulator of G protein signaling 9 binding protein; plus strand). Cytogenetic location: 19q13.11.
Variant type: single nucleotide variant.
Coding change: c.436G>A on transcript NM_207391.3 (MANE Select); coding-DNA position 436, G replaced by A.
Protein change: p.Asp146Asn; replaces aspartic acid 146 with asparagine.
Molecular consequence: missense variant.
Genome position (GRCh38, 1-based): chr19:32,676,699, G>A. VCF-style: chr19-32676699-G-A. GRCh37 (hg19) VCF-style: chr19-33167605-G-A.
Other names: short protein forms D146N.
Identifiers: ClinVar variation 2124216 (VCV002124216.1), dbSNP rs1255171405, ClinGen allele CA405186748.